The following is an entry in ClinVar:

NM_001042492.3(NF1):c.1970C>G (p.Ser657Cys)

Gene: NF1 (neurofibromin 1; plus strand). Cytogenetic location: 17q11.2.
Variant type: single nucleotide variant.
Coding change: c.1970C>G on transcript NM_001042492.3 (MANE Select); coding-DNA position 1970, C replaced by G.
Protein change: p.Ser657Cys; replaces serine 657 with cysteine.
Molecular consequence: missense variant.
Genome position (GRCh38, 1-based): chr17:31,225,219, C>G. VCF-style: chr17-31225219-C-G. GRCh37 (hg19) VCF-style: chr17-29552237-C-G.
Other names: c.1970C>G, p.Ser657Cys (NM_000267.4); short protein forms S657C.
Identifiers: ClinVar variation 2117826 (VCV002117826.4), dbSNP rs2144027588, ClinGen allele CA399005546.

ClinVar aggregate classification (germline): Uncertain significance (1 of 4 stars; one submission).

Conditions:
Neurofibromatosis, type 1 (NF1). Also called: NEUROFIBROMATOSIS, TYPE I, SOMATIC; Neurofibromatosis, type I; Peripheral type neurofibromatosis; VON RECKLINGHAUSEN DISEASE. Identifiers: Orphanet 636, MedGen C0027831, MONDO:0018975, OMIM 162200. Disease mechanism: loss of function.

Allele frequency attached by ClinVar (database versions not stated): gnomAD exomes below 0.00001.
gnomAD v4.1: 1 of 1,613,816 alleles (0.000062%); highest among the groups gnomAD compares: Non-Finnish European, 0.000085%; no homozygotes.

Submission:

Labcorp Genetics (formerly Invitae), Labcorp
Classification: Uncertain significance for Neurofibromatosis, type 1. Last evaluated: 2025-01-13. Review status: criteria provided, single submitter. Criteria: Invitae Variant Classification Sherloc (09022015). Collection method: clinical testing. Allele origin: germline.
Comment: This sequence change replaces serine, which is neutral and polar, with cysteine, which is neutral and slightly polar, at codon 657 of the NF1 protein (p.Ser657Cys). This variant is not present in population databases (gnomAD no frequency). This variant has not been reported in the literature in individuals affected with NF1-related conditions. ClinVar contains an entry for this variant (Variation ID: 2117826). Invitae Evidence Modeling of protein sequence and biophysical properties (such as structural, functional, and spatial information, amino acid conservation, physicochemical variation, residue mobility, and thermodynamic stability) indicates that this missense variant is not expected to disrupt NF1 protein function with a negative predictive value of 95%. In summary, the available evidence is currently insufficient to determine the role of this variant in disease. Therefore, it has been classified as a Variant of Uncertain Significance.